The following is an entry in ClinVar:

ClinVar aggregate classification (germline): Benign. Review status: criteria provided, multiple submitters, no conflicts (2 of 4 stars). 2 submissions from 2 submitters: Benign (2). Last evaluated 2018-01-13.

Conditions:
Autosomal recessive limb-girdle muscular dystrophy type 2N. Also called: MUSCULAR DYSTROPHY-DYSTROGLYCANOPATHY, LIMB-GIRDLE, POMT2-RELATED; Muscular dystrophy-dystroglycanopathy (limb-girdle), type C, 2. Identifiers: Orphanet 206559, MedGen C3150418, MONDO:0013162, OMIM 613158.

Allele frequency attached by ClinVar (database versions not stated): gnomAD exomes 0.78947; TOPMed 0.82411; gnomAD 0.83615; 1000 Genomes Project 30x 0.84947; 1000 Genomes Project 0.85224.
gnomAD v4.1: 125,654 of 152,216 alleles (83%); highest among the groups gnomAD compares: East Asian, 95%; 52,082 homozygotes.

Submissions (2):

Illumina Laboratory Services, Illumina
Classification: Benign for Autosomal recessive limb-girdle muscular dystrophy type 2N. Last evaluated: 2018-01-13. Review status: criteria provided, single submitter. Criteria: ICSL Variant Classification Criteria 13 December 2019. Collection method: clinical testing. Allele origin: germline.
Comment: This variant was observed in the ICSL laboratory as part of a predisposition screen in an ostensibly healthy population. It had not been previously curated by ICSL or reported in the Human Gene Mutation Database (HGMD: prior to June 1st, 2018), and was therefore a candidate for classification through an automated scoring system. Utilizing variant allele frequency, disease prevalence and penetrance estimates, and inheritance mode, an automated score was calculated to assess if this variant is too frequent to cause the disease. Based on the score and internal cut-off values, a variant classified as benign is not then subjected to further curation. The score for this variant resulted in a classification of benign for this disease.

Breakthrough Genomics
Classification: Benign. Review status: criteria provided, single submitter. Criteria: ACMG Guidelines, 2015. Collection method: not provided. Allele origin: germline. Inheritance: Autosomal recessive inheritance. Affected: yes.

NM_013382.7(POMT2):c.*1742G>A

Gene: POMT2 (protein O-mannosyltransferase 2; minus strand). Cytogenetic location: 14q24.3.
Variant type: single nucleotide variant.
Coding change: c.*1742G>A on transcript NM_013382.7 (MANE Select); 1742 bases downstream of the stop codon, G replaced by A.
Molecular consequence: 3 prime UTR variant.
Genome position (GRCh38, 1-based): chr14:77,275,634, C>T on the plus strand (G>A on the coding strand, the complement: POMT2 is on the minus strand). VCF-style: chr14-77275634-C-T. GRCh37 (hg19) VCF-style: chr14-77741977-C-T.
Identifiers: ClinVar variation 314520 (VCV000314520.6), dbSNP rs12894594, ClinGen allele CA10635382.